The following is an entry in ClinVar:

ClinVar aggregate classification (germline): Uncertain significance (1 of 4 stars; one submission).

Conditions:
Tall stature-scoliosis-macrodactyly of the great toes syndrome. Also called: Epiphyseal chondrodysplasia, miura type. Identifiers: Orphanet 329191, MedGen C4014690, MONDO:0014401, OMIM 615923.
Acromesomelic dysplasia 1, Maroteaux type (AMD1). Also called: ST. HELENA DYSPLASIA; ACROMESOMELIC DYSPLASIA 1. Identifiers: Orphanet 40, MedGen C1864356, MONDO:0011275, OMIM 602875.

Submission:

Labcorp Genetics (formerly Invitae), Labcorp
Classification: Uncertain significance for Tall stature-scoliosis-macrodactyly of the great toes syndrome; Acromesomelic dysplasia 1, Maroteaux type. Last evaluated: 2025-04-07. Review status: criteria provided, single submitter. Criteria: Invitae Variant Classification Sherloc (09022015). Collection method: clinical testing. Allele origin: germline.
Comment: This sequence change replaces threonine, which is neutral and polar, with alanine, which is neutral and non-polar, at codon 561 of the NPR2 protein (p.Thr561Ala). This variant is not present in population databases (gnomAD no frequency). This variant has not been reported in the literature in individuals affected with NPR2-related conditions. Invitae Evidence Modeling of protein sequence and biophysical properties (such as structural, functional, and spatial information, amino acid conservation, physicochemical variation, residue mobility, and thermodynamic stability) indicates that this missense variant is not expected to disrupt NPR2 protein function with a negative predictive value of 80%. In summary, the available evidence is currently insufficient to determine the role of this variant in disease. Therefore, it has been classified as a Variant of Uncertain Significance.

NM_003995.4(NPR2):c.1681A>G (p.Thr561Ala)

Gene: NPR2 (natriuretic peptide receptor 2; plus strand). Cytogenetic location: 9p13.3.
Variant type: single nucleotide variant.
Coding change: c.1681A>G on transcript NM_003995.4 (MANE Select); coding-DNA position 1681, A replaced by G.
Protein change: p.Thr561Ala; replaces threonine 561 with alanine.
Molecular consequence: missense variant.
Genome position (GRCh38, 1-based): chr9:35,802,254, A>G. VCF-style: chr9-35802254-A-G. GRCh37 (hg19) VCF-style: chr9-35802251-A-G.
Other names: c.1690A>G, p.Thr564Ala (NM_001378923.1); short protein forms T561A, T564A.
Identifiers: ClinVar variation 4788505 (VCV004788505.1).
Genomic context (GRCh38, chr9:35,802,254, plus strand): 5'-TCCCACCATCAGGGAAATGTTGTCGCCATCAAACATGTGAATAAGAAGCGCATTGAGCTG[A>G]CCCGGCAGGTTCTGTTTGAACTCAAACATGTATGTAACAGAGGATGGACTCTAACATGTA-3'
Protein context (NP_003986.2, residues 551-571): KHVNKKRIEL[Thr561Ala]RQVLFELKHM